The following is an entry in ClinVar:

NM_004006.3(DMD):c.2053G>T (p.Val685Leu)

Gene: DMD (dystrophin; minus strand). Cytogenetic location: Xp21.1.
Variant type: single nucleotide variant.
Coding change: c.2053G>T on transcript NM_004006.3 (MANE Select); coding-DNA position 2053, G replaced by T.
Protein change: p.Val685Leu; replaces valine 685 with leucine.
Molecular consequence: missense variant.
Genome position (GRCh38, 1-based): chrX:32,545,274, C>A on the plus strand (G>T on the coding strand, the complement: DMD is on the minus strand). VCF-style: chrX-32545274-C-A. GRCh37 (hg19) VCF-style: chrX-32563391-C-A.
Other names: c.2029G>T, p.Val677Leu (NM_000109.4); c.2041G>T, p.Val681Leu (NM_004009.3); c.1684G>T, p.Val562Leu (NM_004010.3); short protein forms V562L, V677L, V681L, V685L.
Identifiers: ClinVar variation 664303 (VCV000664303.9), dbSNP rs1603635954, ClinGen allele CA412668432.

ClinVar aggregate classification (germline): Uncertain significance (1 of 4 stars; one submission).

Conditions:
Duchenne muscular dystrophy (DMD). Also called: MUSCULAR DYSTROPHY, PSEUDOHYPERTROPHIC PROGRESSIVE, DUCHENNE TYPE; Duchenne Muscular Dystrophy (DMD). Identifiers: Orphanet 98896, MedGen C0013264, MONDO:0010679, OMIM 310200.

Submission:

Labcorp Genetics (formerly Invitae), Labcorp
Classification: Uncertain significance for Duchenne muscular dystrophy. Last evaluated: 2024-08-28. Review status: criteria provided, single submitter. Criteria: Invitae Variant Classification Sherloc (09022015). Collection method: clinical testing. Allele origin: germline.
Comment: This sequence change replaces valine, which is neutral and non-polar, with leucine, which is neutral and non-polar, at codon 685 of the DMD protein (p.Val685Leu). This variant is not present in population databases (gnomAD no frequency). This variant has not been reported in the literature in individuals affected with DMD-related conditions. ClinVar contains an entry for this variant (Variation ID: 664303). Invitae Evidence Modeling of protein sequence and biophysical properties (such as structural, functional, and spatial information, amino acid conservation, physicochemical variation, residue mobility, and thermodynamic stability) indicates that this missense variant is not expected to disrupt DMD protein function with a negative predictive value of 95%. In summary, the available evidence is currently insufficient to determine the role of this variant in disease. Therefore, it has been classified as a Variant of Uncertain Significance.